The following is an entry in ClinVar:

NM_005188.4(CBL):c.1961TAG[1] (p.Val655del)

Gene: CBL (Cbl proto-oncogene; plus strand). Cytogenetic location: 11q23.3.
Variant type: Microsatellite.
Coding change: c.1961TAG[1] on transcript NM_005188.4 (MANE Select); one copy of the 3-base unit TAG starting at c.1961; the reference has two copies in a row; one copy, 3 bases deleted.
Protein change: p.Val655del; deletes valine 655.
Molecular consequence: inframe deletion.
Genome position (GRCh38, 1-based): chr11:119,287,874-119,287,876, TAG deleted; deleting any 3 consecutive bases within chr11:119,287,871-119,287,876 gives the same sequence; the position shown is the placement nearest the transcript's 3' end. VCF-style (leftmost placement, unchanged base first): chr11-119287870-TTAG-T. GRCh37 (hg19) VCF-style: chr11-119158580-TTAG-T.
Other names: short protein forms V655del.
Identifiers: ClinVar variation 1254052 (VCV001254052.3), dbSNP rs2135312902, ClinGen allele CA2580615100.

ClinVar aggregate classification (germline): Uncertain significance (1 of 4 stars; one submission).

Submission:

GeneDx
Classification: Uncertain significance. Last evaluated: 2023-07-21. Review status: criteria provided, single submitter. Criteria: GeneDx Variant Classification Process June 2021. Collection method: clinical testing. Allele origin: germline. Affected: yes.
Comment: Not observed at significant frequency in large population cohorts (gnomAD); In-frame deletion of 1 amino acid in a non-repeat region; In silico analysis supports that this variant does not alter protein structure/function; Has not been previously published as pathogenic or benign to our knowledge